The following is an entry in ClinVar:

NM_003001.5(SDHC):c.191C>T (p.Pro64Leu)

Gene: SDHC (succinate dehydrogenase complex subunit C; plus strand). Cytogenetic location: 1q23.3.
Variant type: single nucleotide variant.
Coding change: c.191C>T on transcript NM_003001.5 (MANE Select); coding-DNA position 191, C replaced by T.
Protein change: p.Pro64Leu; replaces proline 64 with leucine.
Molecular consequence: missense variant.
Genome position (GRCh38, 1-based): chr1:161,340,605, C>T. VCF-style: chr1-161340605-C-T. GRCh37 (hg19) VCF-style: chr1-161310395-C-T.
Other names: c.191C>T, p.Pro64Leu (NM_001035511.3); c.89C>T, p.Pro30Leu (NM_001035512.3, NM_001278172.3, NM_001407118.1); c.32C>T, p.Pro11Leu (NM_001035513.3); c.311C>T, p.Pro104Leu (NM_001407115.1); c.134C>T, p.Pro45Leu (NM_001407116.1, NM_001407117.1, NM_001407121.1); c.80C>T, p.Pro27Leu (NM_001407119.1, NM_001407120.1); short protein forms P64L, P30L, P11L, P27L, P104L, P45L.
Identifiers: ClinVar variation 230118 (VCV000230118.9), dbSNP rs876658398, ClinGen allele CA10577665.

ClinVar aggregate classification (germline): Uncertain significance. Review status: criteria provided, multiple submitters, no conflicts (2 of 4 stars). 2 submissions from 2 submitters: Uncertain significance (2). Last evaluated 2024-12-30.

Conditions:
Hereditary cancer-predisposing syndrome. Also called: Neoplastic Syndromes, Hereditary; Hereditary neoplastic syndrome; Hereditary Cancer Syndrome; Tumor predisposition. Identifiers: Orphanet 140162, MedGen C0027672, MeSH D009386, MONDO:0015356.
Gastrointestinal stromal tumor. Also called: Gastrointestinal stromal tumor, somatic; Gastrointestinal stroma tumor. Identifiers: Orphanet 44890, MedGen C0238198, MeSH D046152, MONDO:0011719, OMIM 606764, HP:0100723.
Pheochromocytoma/paraganglioma syndrome 3. Also called: Paragangliomas 3; SDHC-Related Hereditary Paraganglioma-Pheochromocytoma Syndrome (Paragangliomas 3); SDHC-Related Hereditary Paraganglioma-Pheochromocytoma Syndrome; GLOMUS TUMORS, FAMILIAL, 3. Identifiers: Orphanet 29072, MedGen C1854336, MONDO:0011544, OMIM 605373.

Submissions (2):

Labcorp Genetics (formerly Invitae), Labcorp
Classification: Uncertain significance for Pheochromocytoma/paraganglioma syndrome 3; Gastrointestinal stromal tumor. Last evaluated: 2024-12-30. Review status: criteria provided, single submitter. Criteria: Invitae Variant Classification Sherloc (09022015). Collection method: clinical testing. Allele origin: germline.
Comment: This sequence change replaces proline, which is neutral and non-polar, with leucine, which is neutral and non-polar, at codon 64 of the SDHC protein (p.Pro64Leu). This variant is not present in population databases (gnomAD no frequency). This variant has not been reported in the literature in individuals affected with SDHC-related conditions. ClinVar contains an entry for this variant (Variation ID: 230118). An algorithm developed to predict the effect of missense changes on protein structure and function (PolyPhen-2) suggests that this variant is likely to be disruptive. In summary, the available evidence is currently insufficient to determine the role of this variant in disease. Therefore, it has been classified as a Variant of Uncertain Significance.

Ambry Genetics
Classification: Uncertain significance for Hereditary cancer-predisposing syndrome. Last evaluated: 2024-03-01. Review status: criteria provided, single submitter. Criteria: Ambry Variant Classification Scheme 2023. Collection method: clinical testing. Allele origin: germline.
Comment: The p.P64L variant (also known as c.191C>T), located in coding exon 4 of the SDHC gene, results from a C to T substitution at nucleotide position 191. The proline at codon 64 is replaced by leucine, an amino acid with similar properties. This amino acid position is highly conserved in available vertebrate species. In addition, this alteration is predicted to be deleterious by in silico analysis. Based on the available evidence, the clinical significance of this alteration remains unclear.